The following is an entry in ClinVar:

ClinVar aggregate classification (germline): Uncertain significance (1 of 4 stars; one submission).

Conditions:
Neuroblastoma, susceptibility to, 3. Also called: ALK-Related Neuroblastic Tumor Susceptibility. Identifiers: Orphanet 635, MedGen C2751681, MONDO:0013083, OMIM 613014.

Submission:

Labcorp Genetics (formerly Invitae), Labcorp
Classification: Uncertain significance for Neuroblastoma, susceptibility to, 3. Last evaluated: 2024-04-15. Review status: criteria provided, single submitter. Criteria: Invitae Variant Classification Sherloc (09022015). Collection method: clinical testing. Allele origin: germline.
Comment: This sequence change falls in intron 16 of the ALK gene. It does not directly change the encoded amino acid sequence of the ALK protein. This variant is not present in population databases (gnomAD no frequency). This variant has not been reported in the literature in individuals affected with ALK-related conditions. Algorithms developed to predict the effect of sequence changes on RNA splicing suggest that this variant may disrupt the consensus splice site. In summary, the available evidence is currently insufficient to determine the role of this variant in disease. Therefore, it has been classified as a Variant of Uncertain Significance.

NM_004304.5(ALK):c.2816-10T>G

Gene: ALK (ALK receptor tyrosine kinase; minus strand). Cytogenetic location: 2p23.2.
Variant type: single nucleotide variant.
Coding change: c.2816-10T>G on transcript NM_004304.5 (MANE Select); 10 bases into the intron before coding-DNA position 2816, T replaced by G.
Molecular consequence: intron variant.
Genome position (GRCh38, 1-based): chr2:29,227,682, A>C on the plus strand (T>G on the coding strand, the complement: ALK is on the minus strand). VCF-style: chr2-29227682-A-C. GRCh37 (hg19) VCF-style: chr2-29450548-A-C.
Identifiers: ClinVar variation 3660561 (VCV003660561.2).
Genomic context (GRCh38, chr2:29,227,682, plus strand): 5'-CCCCATCTTCCCCATCCATTTCGGGGTCATTGTTTGAGGCTGCATTGCCGCCTGAGTAGC[A>C]AACCAGAGCAGAGTTTAACATGGGGGGTGGGTGCCAAAATCTTAACACACACACACGTCA-3'